The following is an entry in ClinVar:

NM_001103.4(ACTN2):c.616G>A (p.Asp206Asn)

Gene: ACTN2 (actinin alpha 2; plus strand). Cytogenetic location: 1q43.
Variant type: single nucleotide variant.
Coding change: c.616G>A on transcript NM_001103.4 (MANE Select); coding-DNA position 616, G replaced by A.
Protein change: p.Asp206Asn; replaces aspartic acid 206 with asparagine.
Molecular consequence: missense variant. On other transcripts: non-coding transcript variant (1).
Genome position (GRCh38, 1-based): chr1:236,731,233, G>A. VCF-style: chr1-236731233-G-A. GRCh37 (hg19) VCF-style: chr1-236894533-G-A.
Other names: c.616G>A, p.Asp206Asn (NM_001278343.2); c.-206G>A (NM_001278344.2); c.-331G>A (NM_001412150.1); c.616G>A (NM_001103.2); short protein forms D206N.
Identifiers: ClinVar variation 2573097 (VCV002573097.2), dbSNP rs1658704139, ClinGen allele CA345375758.
Genomic context (GRCh38, chr1:236,731,233, plus strand): 5'-CTTCATAAGTCTTGTTTCAAAATATATTTTAAAAATCTGACTGTCTTGGTTTTCATACAG[G>A]ATGACCCCATAGGAAATATTAACCTGGCCATGGAAATCGCTGAGAAGCACCTGGATATTC-3'
Protein context (NP_001094.1, residues 196-216): DLIDYSKLNK[Asp206Asn]DPIGNINLAM

ClinVar aggregate classification (germline): Uncertain significance. Review status: criteria provided, multiple submitters, no conflicts (2 of 4 stars). 2 submissions from 2 submitters: Uncertain significance (2). Last evaluated 2025-02-06.

Conditions:
Cardiovascular phenotype. Identifiers: MedGen CN230736.
Dilated cardiomyopathy 1AA (CMD1AA). Also called: Cardiomyopathy, dilated, 1AA, with or without LVNC; CARDIOMYOPATHY, DILATED, 1AA, WITH OR WITHOUT LEFT VENTRICULAR NONCOMPACTION; CARDIOMYOPATHY, FAMILIAL HYPERTROPHIC, 23, WITH OR WITHOUT LEFT VENTRICULAR NONCOMPACTION. Identifiers: Orphanet 154, MedGen C2677338, MONDO:0012808, OMIM 612158.

Submissions (2):

Ambry Genetics
Classification: Uncertain significance for Cardiovascular phenotype. Last evaluated: 2025-02-06. Review status: criteria provided, single submitter. Criteria: Ambry Variant Classification Scheme 2023. Collection method: clinical testing. Allele origin: germline.
Comment: The p.D206N variant (also known as c.616G>A) is located in coding exon 7 of the ACTN2 gene. The aspartic acid at codon 206 is replaced by asparagine, an amino acid with highly similar properties. This change occurs in the first base pair of coding exon 7. This amino acid position is highly conserved in available vertebrate species. In addition, the in silico prediction for this alteration is inconclusive. Based on the available evidence, the clinical significance of this variant remains unclear.

MVZ Martinsried, Medicover Genetics
Classification: Uncertain significance for Dilated cardiomyopathy 1AA. Last evaluated: 2023-06-30. Review status: criteria provided, single submitter. Criteria: ACGS Guidelines, 2020. Collection method: clinical testing. Allele origin: unknown.